The following is an entry in ClinVar:

NM_015335.5(MED13L):c.5651T>C (p.Ile1884Thr)

Gene: MED13L (mediator complex subunit 13L; minus strand). Cytogenetic location: 12q24.21.
Variant type: single nucleotide variant.
Coding change: c.5651T>C on transcript NM_015335.5 (MANE Select); coding-DNA position 5651, T replaced by C.
Protein change: p.Ile1884Thr; replaces isoleucine 1884 with threonine.
Molecular consequence: missense variant.
Genome position (GRCh38, 1-based): chr12:115,975,251, A>G on the plus strand (T>C on the coding strand, the complement: MED13L is on the minus strand). VCF-style: chr12-115975251-A-G. GRCh37 (hg19) VCF-style: chr12-116413056-A-G.
Other names: short protein forms I1884T.
Identifiers: ClinVar variation 2643359 (VCV002643359.24), dbSNP rs2499797173, ClinGen allele CA386878390.
Genomic context (GRCh38, chr12:115,975,251, plus strand): 5'-AGACGCCCAAGTCGCCCGATTACAACTCTCCAGGGTAGAGATGTCATTTGGACAATCCCT[A>G]TGCACCACTCCCATAACTTCTGTAGTCCAATTTTACGTGCAGATACTTTACTCCTCCGTG-3'
Protein context (NP_056150.1, residues 1874-1894): IGLQKLWEWC[Ile1884Thr]GIVQMTSLPW

ClinVar aggregate classification (germline): Uncertain significance (1 of 4 stars; one submission).

Submission:

CeGaT Center for Human Genetics Tuebingen
Classification: Uncertain significance. Last evaluated: 2023-10-01. Review status: criteria provided, single submitter. Criteria: CeGaT Center For Human Genetics Tuebingen Variant Classification Criteria Version 2. Collection method: clinical testing. Allele origin: germline. Affected: yes. Observed: 1 variant allele.
Comment: MED13L: PM2, BP4